The following is an entry in ClinVar:

ClinVar aggregate classification (germline): Uncertain significance (1 of 4 stars; one submission).

Allele frequency attached by ClinVar (database versions not stated): gnomAD exomes below 0.00001.
gnomAD v4.1: 2 of 1,612,982 alleles (0.00012%); highest among the groups gnomAD compares: Non-Finnish European, 0.00017%; no homozygotes.

Submission:

GeneDx
Classification: Uncertain significance. Last evaluated: 2026-08-14. Review status: criteria provided, single submitter. Criteria: GeneDx Variant Classification Process June 2021. Collection method: clinical testing. Allele origin: germline.
Comment: Not observed at significant frequency in large population cohorts (gnomAD); In-silico analysis is inconclusive as to whether the variant alters gene splicing. In the absence of RNA/functional studies, the actual effect of this sequence change is unknown.; Has not been previously published as pathogenic or benign to our knowledge

NM_004456.5(EZH2):c.1547-11T>C

Gene: EZH2 (enhancer of zeste 2 polycomb repressive complex 2 subunit; minus strand). Cytogenetic location: 7q36.1.
Variant type: single nucleotide variant.
Coding change: c.1547-11T>C on transcript NM_004456.5 (MANE Select); 11 bases into the intron before coding-DNA position 1547, T replaced by C.
Molecular consequence: intron variant.
Genome position (GRCh38, 1-based): chr7:148,815,050, A>G on the plus strand (T>C on the coding strand, the complement: EZH2 is on the minus strand). VCF-style: chr7-148815050-A-G. GRCh37 (hg19) VCF-style: chr7-148512142-A-G.
Other names: c.1505-11T>C (NM_001203248.2); c.1415-11T>C (NM_152998.3); c.1532-11T>C (NM_001203247.2); c.1504+456T>C (NM_001203249.2).
Identifiers: ClinVar variation 2444758 (VCV002444758.2), dbSNP rs2536532488, ClinGen allele CA2580077672.